The following is an entry in ClinVar:

ClinVar aggregate classification (germline): Uncertain significance. Review status: criteria provided, multiple submitters, no conflicts (2 of 4 stars). 9 submissions from 9 submitters: Uncertain significance (8). 1 of the submissions does not count toward it. Last evaluated 2026-05-18.

Conditions:
ATM-related disorder. Also called: ATM-related disorders; ATM-related condition.
Hereditary cancer-predisposing syndrome. Also called: Tumor predisposition; Hereditary neoplastic syndrome; Neoplastic Syndromes, Hereditary; Hereditary Cancer Syndrome. Identifiers: Orphanet 140162, MedGen C0027672, MeSH D009386, MONDO:0015356.
Familial cancer of breast. Also called: Hereditary breast cancer; hereditary breast carcinoma; BREAST CANCER, FAMILIAL. Identifiers: Orphanet 227535, MedGen C0346153, MONDO:0016419, OMIM 114480. Disease mechanism: loss of function.
Ataxia-telangiectasia syndrome (AT). Also called: Ataxia telangiectasia (A-T); LOUIS-BAR SYNDROME; Cerebello-oculocutaneous telangiectasia; Immunodeficiency with ataxia telangiectasia; AT, COMPLEMENTATION GROUP C; Ataxia-telangiectasia, complementation group D. Identifiers: Orphanet 100, MedGen C0004135, MONDO:0008840, OMIM 208900.

gnomAD v4.1: 6 of 1,612,914 alleles (0.00037%); highest among the groups gnomAD compares: South Asian, 0.0066%; no homozygotes.

Submissions (9):

PreventionGenetics, part of Exact Sciences
Classification: Uncertain significance for ATM-related condition. Last evaluated: 2026-05-18. Review status: criteria provided, single submitter. Criteria: ACMG Guidelines, 2015. Collection method: clinical testing. Allele origin: germline.
Comment: The ATM c.1834C>T variant is predicted to result in the amino acid substitution p.Leu612Phe. To our knowledge, this variant has not been reported in the literature. This variant is reported in 0.013% of alleles in individuals of South Asian descent in gnomAD and is classified as a variant of uncertain significance in ClinVar (Variation ID: 453387). At this time, the clinical significance of this variant is uncertain due to the absence of conclusive functional and genetic evidence.

Labcorp Genetics (formerly Invitae), Labcorp
Classification: Uncertain significance for Ataxia-telangiectasia syndrome. Last evaluated: 2025-12-26. Review status: criteria provided, single submitter. Criteria: Invitae Variant Classification Sherloc (09022015). Collection method: clinical testing. Allele origin: germline.
Comment: This sequence change replaces leucine, which is neutral and non-polar, with phenylalanine, which is neutral and non-polar, at codon 612 of the ATM protein (p.Leu612Phe). This variant is present in population databases (rs747242300, gnomAD 0.01%). This variant has not been reported in the literature in individuals affected with ATM-related conditions. ClinVar contains an entry for this variant (Variation ID: 453387). Invitae Evidence Modeling of protein sequence and biophysical properties (such as structural, functional, and spatial information, amino acid conservation, physicochemical variation, residue mobility, and thermodynamic stability) indicates that this missense variant is not expected to disrupt ATM protein function with a negative predictive value of 95%. In summary, the available evidence is currently insufficient to determine the role of this variant in disease. Therefore, it has been classified as a Variant of Uncertain Significance.

Color Diagnostics, LLC DBA Color Health
Classification: Uncertain significance for Hereditary cancer-predisposing syndrome. Last evaluated: 2025-10-21. Review status: criteria provided, single submitter. Criteria: ACMG Guidelines, 2015. Collection method: clinical testing. Allele origin: germline.
Comment: This missense variant replaces leucine with phenylalanine at codon 612 of the ATM protein. Computational prediction suggests that this variant may not impact protein structure and function. To our knowledge, functional studies have not been reported for this variant. This variant has not been reported in individuals affected with hereditary cancer in the literature. This variant has been identified in 4/250820 chromosomes in the general population by the Genome Aggregation Database (gnomAD). The available evidence is insufficient to determine the role of this variant in disease conclusively. Therefore, this variant is classified as a Variant of Uncertain Significance.

Ambry Genetics
Classification: Uncertain significance for Hereditary cancer-predisposing syndrome. Last evaluated: 2025-01-09. Review status: criteria provided, single submitter. Criteria: Ambry Variant Classification Scheme 2023. Collection method: clinical testing. Allele origin: germline.
Comment: The p.L612F variant (also known as c.1834C>T), located in coding exon 11 of the ATM gene, results from a C to T substitution at nucleotide position 1834. The leucine at codon 612 is replaced by phenylalanine, an amino acid with highly similar properties. This amino acid position is highly conserved in available vertebrate species. In addition, the in silico prediction for this alteration is inconclusive. Based on the available evidence, the clinical significance of this variant remains unclear.

Baylor Genetics
Classification: Uncertain significance for Familial cancer of breast. Last evaluated: 2023-10-13. Review status: criteria provided, single submitter. Criteria: ACMG Guidelines, 2015. Collection method: clinical testing. Allele origin: unknown.

Foundation for Research in Genetics and Endocrinology, FRIGE's Institute of Human Genetics
Classification: Uncertain significance for Familial cancer of breast. Last evaluated: 2022-10-04. Review status: criteria provided, single submitter. Criteria: ACMG Guidelines, 2015. Collection method: clinical testing. Allele origin: germline. Inheritance: Autosomal dominant inheritance. Affected: yes. Observed: 1 heterozygote.
Comment: A heterozygous missense variation in exon 12 of the ATM gene (chr11:g.108252848C>T; Depth: 85x) that results in the amino acid substitution of Phenylalanine for Leucine at codon 612 (p.Leu612Phe; ENST00000675843.1) was detected (Table). The observed variation is documented as variant of uncertain significance in hereditary cancer-predisposing syndrome in the ClinVar database [VCV000453387.4]. The p.Leu612Phe variant has not been reported in the 1000 genomes and gnomAD databases and has a minor allele frequency of 0.01% in the our internal database. The in silico predictions# of the variant are probably damaging by PolyPhen-2 (HumDiv) and damaging by SIFT, LRT and Mutation Taster2 tools. The reference codon is conserved across species.

Sema4
Classification: Uncertain significance for Hereditary cancer-predisposing syndrome. Last evaluated: 2021-05-24. Review status: criteria provided, single submitter. Criteria: Sema4 Curation Guidelines. Collection method: curation. Allele origin: germline.
Comment: The ATM c.1834C>T (p.L612F) variant has not been reported in the literature to our knowledge. It was observed in 4/30564 chromosomes in the South Asian subpopulation in the large and broad cohorts of the Genome Aggregation Database (PMID: 32461654). The variant has been reported in ClinVar (Variation ID: 453387). In silico tools suggest the impact of the variant on protein function is inconclusive, though these predictions have not been confirmed by functional studies. The evidence is insufficient to meet ACMG/AMP criteria for classifying the variant as benign or pathogenic. Thus, the clinical significance of this variant is currently uncertain.

Blueprint Genetics
Classification: Uncertain significance. Last evaluated: 2018-05-28. Review status: criteria provided, single submitter. Criteria: ACMG Guidelines, 2015. Collection method: clinical testing. Allele origin: germline.

Natera, Inc.
Classification: Uncertain significance for Ataxia-telangiectasia. Last evaluated: 2020-04-16. Review status: no assertion criteria provided. Collection method: clinical testing. Allele origin: germline. Not counted in ClinVar's aggregate classification.

NM_000051.4(ATM):c.1834C>T (p.Leu612Phe)

Gene: ATM (ATM serine/threonine kinase; plus strand). Cytogenetic location: 11q22.3.
Variant type: single nucleotide variant.
Coding change: c.1834C>T on transcript NM_000051.4 (MANE Select); coding-DNA position 1834, C replaced by T.
Protein change: p.Leu612Phe; replaces leucine 612 with phenylalanine.
Molecular consequence: missense variant.
Genome position (GRCh38, 1-based): chr11:108,252,848, C>T. VCF-style: chr11-108252848-C-T. GRCh37 (hg19) VCF-style: chr11-108123575-C-T.
Other names: p.Leu612Phe; c.1834C>T, p.Leu612Phe (NM_001351834.2); short protein forms L612F.
Identifiers: ClinVar variation 453387 (VCV000453387.22), dbSNP rs747242300, ClinGen allele CA6264885.
Genomic context (GRCh38, chr11:108,252,848, plus strand): 5'-TAAGTGAAGCTTTTTGTTTTTCTTTGTAGTAATTTTCCTCATCTTGTACTGGAGAAAATT[C>T]TTGTGAGTCTCACTATGAAAAACTGTAAAGCTGCAATGAATTTTTTCCAAAGCGTGCCAG-3'
Protein context (NP_000042.3, residues 602-622): NFPHLVLEKI[Leu612Phe]VSLTMKNCKA